The following is an entry in ClinVar:

NM_015346.4(ZFYVE26):c.6790C>T (p.Gln2264Ter)

Gene: ZFYVE26 (zinc finger FYVE-type containing 26; minus strand). Cytogenetic location: 14q24.1.
Variant type: single nucleotide variant.
Coding change: c.6790C>T on transcript NM_015346.4 (MANE Select); coding-DNA position 6790, C replaced by T.
Protein change: p.Gln2264Ter; replaces glutamine 2264 with a stop codon.
Molecular consequence: nonsense.
Genome position (GRCh38, 1-based): chr14:67,755,247, G>A on the plus strand (C>T on the coding strand, the complement: ZFYVE26 is on the minus strand). VCF-style: chr14-67755247-G-A. GRCh37 (hg19) VCF-style: chr14-68221964-G-A.
Other names: short protein forms Q2264*.
Identifiers: ClinVar variation 1724605 (VCV001724605.2), dbSNP rs2503941771, ClinGen allele CA390161129.

ClinVar aggregate classification (germline): Likely pathogenic (1 of 4 stars; one submission).

Conditions:
Hereditary spastic paraplegia 15 (SPG15). Also called: SPASTIC PARAPLEGIA 15, AUTOSOMAL RECESSIVE; KJELLIN SYNDROME; SPASTIC PARAPLEGIA AND RETINAL DEGENERATION. Identifiers: Orphanet 100996, MedGen C1849128, MONDO:0010044, OMIM 270700.

Submission:

Myriad Genetics, Inc.
Classification: Likely pathogenic for Hereditary spastic paraplegia 15. Last evaluated: 2022-02-20. Review status: criteria provided, single submitter. Criteria: Myriad Women's Health Autosomal Recessive and X-Linked Classification Criteria (2021). Collection method: clinical testing. Allele origin: unknown.
Comment: NM_015346.3(ZFYVE26):c.6790C>T(Q2264*) is expected to be pathogenic in the context of spastic paraplegia type 15. This variant is predicted to lead to an abnormal or absent protein product due to the creation of a premature termination codon in ZFYVE26, a gene where loss-of-function variants are known to be pathogenic. Please note: this variant was assessed in the context of healthy population screening.